The following is an entry in ClinVar:

NM_001605.3(AARS1):c.2555A>G (p.Asn852Ser)

Gene: AARS1 (alanyl-tRNA synthetase 1; minus strand). Cytogenetic location: 16q22.1.
Variant type: single nucleotide variant.
Coding change: c.2555A>G on transcript NM_001605.3 (MANE Select); coding-DNA position 2555, A replaced by G.
Protein change: p.Asn852Ser; replaces asparagine 852 with serine.
Molecular consequence: missense variant.
Genome position (GRCh38, 1-based): chr16:70,253,766, T>C on the plus strand (A>G on the coding strand, the complement: AARS1 is on the minus strand). VCF-style: chr16-70253766-T-C. GRCh37 (hg19) VCF-style: chr16-70287669-T-C.
Other names: short protein forms N852S.
Identifiers: ClinVar variation 1682110 (VCV001682110.8), dbSNP rs1959907229, ClinGen allele CA396554979.

ClinVar aggregate classification (germline): Uncertain significance (1 of 4 stars; one submission).

Conditions:
Charcot-Marie-Tooth disease type 2. Also called: Charcot-Marie-Tooth type 2. Identifiers: Orphanet 64746, MedGen C0270914, MONDO:0018993.

Submission:

Labcorp Genetics (formerly Invitae), Labcorp
Classification: Uncertain significance for Charcot-Marie-Tooth disease type 2. Last evaluated: 2021-04-05. Review status: criteria provided, single submitter. Criteria: Invitae Variant Classification Sherloc (09022015). Collection method: clinical testing. Allele origin: germline.
Comment: In summary, the available evidence is currently insufficient to determine the role of this variant in disease. Therefore, it has been classified as a Variant of Uncertain Significance. Algorithms developed to predict the effect of missense changes on protein structure and function output the following: SIFT: "Tolerated"; PolyPhen-2: "Benign"; Align-GVGD: "Class C0". The serine amino acid residue is found in multiple mammalian species, suggesting that this missense change does not adversely affect protein function. These predictions have not been confirmed by published functional studies and their clinical significance is uncertain. This variant has not been reported in the literature in individuals with AARS-related conditions. This variant is not present in population databases (ExAC no frequency). This sequence change replaces asparagine with serine at codon 852 of the AARS protein (p.Asn852Ser). The asparagine residue is moderately conserved and there is a small physicochemical difference between asparagine and serine.